The following is an entry in ClinVar:

ClinVar aggregate classification (germline): Uncertain significance (1 of 4 stars; one submission).

Allele frequency attached by ClinVar (database versions not stated): gnomAD exomes below 0.00001.
gnomAD v4.1: 1 of 1,613,922 alleles (0.000062%); highest among the groups gnomAD compares: Non-Finnish European, 0.000085%; no homozygotes.

Submission:

Labcorp Genetics (formerly Invitae), Labcorp
Classification: Uncertain significance. Last evaluated: 2022-07-19. Review status: criteria provided, single submitter. Criteria: Invitae Variant Classification Sherloc (09022015). Collection method: clinical testing. Allele origin: germline.
Comment: This sequence change replaces tryptophan, which is neutral and slightly polar, with arginine, which is basic and polar, at codon 652 of the DUOX2 protein (p.Trp652Arg). In summary, the available evidence is currently insufficient to determine the role of this variant in disease. Therefore, it has been classified as a Variant of Uncertain Significance. Algorithms developed to predict the effect of missense changes on protein structure and function (SIFT, PolyPhen-2, Align-GVGD) all suggest that this variant is likely to be disruptive. ClinVar contains an entry for this variant (Variation ID: 1494462). This variant has not been reported in the literature in individuals affected with DUOX2-related conditions. This variant is not present in population databases (gnomAD no frequency).

NM_001363711.2(DUOX2):c.1954T>C (p.Trp652Arg)

Gene: DUOX2 (dual oxidase 2; minus strand). Cytogenetic location: 15q21.1.
Variant type: single nucleotide variant.
Coding change: c.1954T>C on transcript NM_001363711.2 (MANE Select); coding-DNA position 1954, T replaced by C.
Protein change: p.Trp652Arg; replaces tryptophan 652 with arginine.
Molecular consequence: missense variant.
Genome position (GRCh38, 1-based): chr15:45,106,319, A>G on the plus strand (T>C on the coding strand, the complement: DUOX2 is on the minus strand). VCF-style: chr15-45106319-A-G. GRCh37 (hg19) VCF-style: chr15-45398517-A-G.
Other names: c.1954T>C, p.Trp652Arg (NM_014080.5); short protein forms W652R.
Identifiers: ClinVar variation 1494462 (VCV001494462.8), dbSNP rs1894212891, ClinGen allele CA392273536.
Genomic context (GRCh38, chr15:45,106,319, plus strand): 5'-GACACCTGTCTGACAGCAGCTGGATGATGATGGGACTGCTCCTCTCCTTGGGGCCTGGCC[A>G]CTCCATCGCTGGGGAAGGGATAATTGGGCCGGGTAGTTCAGCAGATGTCCCCAGGTCCCC-3'
Protein context (NP_001350640.1, residues 642-662): AAKDGVPAME[Trp652Arg]PGPKERSSPI